The following is an entry in ClinVar:

ClinVar aggregate classification (germline): Likely benign. Review status: criteria provided, multiple submitters, no conflicts (2 of 4 stars). 3 submissions from 3 submitters: Likely benign (2). 1 of the submissions does not count toward it. Last evaluated 2019-12-31.

Conditions:
CRYZ-related disorder. Also called: CRYZ-related condition.

Allele frequency attached by ClinVar (database versions not stated): 1000 Genomes Project 30x 0.00016; 1000 Genomes Project 0.00020; gnomAD 0.00059; TOPMed 0.00059; ESP Exome Variant Server 0.00077; gnomAD exomes 0.00077 and 0.00096; ExAC 0.00085.
gnomAD v4.1: 1,492 of 1,606,500 alleles (0.093%); highest among the groups gnomAD compares: Middle Eastern, 0.18%; 11 homozygotes.

Submissions (8):

Labcorp Genetics (formerly Invitae), Labcorp
Classification: Likely benign. Last evaluated: 2019-12-31. Review status: criteria provided, single submitter. Criteria: Invitae Variant Classification Sherloc (09022015). Collection method: clinical testing. Allele origin: germline.

Breakthrough Genomics
Classification: Likely benign. Review status: criteria provided, single submitter. Criteria: ACMG Guidelines, 2015. Collection method: not provided. Allele origin: germline. Inheritance: Unknown mechanism. Affected: yes.

PreventionGenetics, part of Exact Sciences
Classification: Likely benign for CRYZ-related condition. Last evaluated: 2023-10-11. Review status: no assertion criteria provided. Collection method: clinical testing. Allele origin: germline. Not counted in ClinVar's aggregate classification.
Comment: This variant is classified as likely benign based on ACMG/AMP sequence variant interpretation guidelines (Richards et al. 2015 PMID: 25741868, with internal and published modifications).

Dr. Peter K. Rogan Lab, Western University
No classification provided (evidence only). Condition: Clear cell carcinoma of kidney. Review status: no classification provided. Collection method: in vitro. Allele origin: not applicable. Functional consequence: retained intron. Not counted in ClinVar's aggregate classification.

Dr. Peter K. Rogan Lab, Western University
No classification provided (evidence only). Condition: Clear cell carcinoma of kidney. Review status: no classification provided. Collection method: in vitro. Allele origin: not applicable. Functional consequence: retained intron. Not counted in ClinVar's aggregate classification.

Dr. Peter K. Rogan Lab, Western University
No classification provided (evidence only). Condition: Lung cancer. Review status: no classification provided. Collection method: in vitro. Allele origin: not applicable. Functional consequence: retained intron. Not counted in ClinVar's aggregate classification.

Dr. Peter K. Rogan Lab, Western University
No classification provided (evidence only). Condition: Sarcoma. Review status: no classification provided. Collection method: in vitro. Allele origin: not applicable. Functional consequence: retained intron. Not counted in ClinVar's aggregate classification.

Dr. Peter K. Rogan Lab, Western University
No classification provided (evidence only). Condition: Familial pancreatic carcinoma. Review status: no classification provided. Collection method: in vitro. Allele origin: not applicable. Functional consequence: retained intron. Not counted in ClinVar's aggregate classification.

NM_001889.4(CRYZ):c.265-1G>A

Gene: CRYZ (crystallin zeta; minus strand). Cytogenetic location: 1p31.1.
Variant type: single nucleotide variant.
Coding change: c.265-1G>A on transcript NM_001889.4 (MANE Select); the canonical splice acceptor site of the intron before coding-DNA position 265, G replaced by A.
Molecular consequence: splice acceptor variant. On other transcripts: intron variant (1).
Genome position (GRCh38, 1-based): chr1:74,719,373, C>T on the plus strand (G>A on the coding strand, the complement: CRYZ is on the minus strand). VCF-style: chr1-74719373-C-T. GRCh37 (hg19) VCF-style: chr1-75185057-C-T.
Other names: NC_000001.10:g.75185057C>T; c.17+3745G>A (NM_001134759.2); c.265-1G>A (NM_001130043.2, NM_001130042.2).
Identifiers: ClinVar variation 771689 (VCV000771689.8), dbSNP rs139734636, ClinGen allele CA911404.